The following is an entry in ClinVar:

NM_000371.4(TTR):c.71G>A (p.Gly24Asp)

Gene: TTR (transthyretin; plus strand). Cytogenetic location: 18q12.1.
Variant type: single nucleotide variant.
Coding change: c.71G>A on transcript NM_000371.4 (MANE Select); coding-DNA position 71, G replaced by A.
Protein change: p.Gly24Asp; replaces glycine 24 with aspartic acid.
Molecular consequence: missense variant.
Genome position (GRCh38, 1-based): chr18:31,592,897, G>A. VCF-style: chr18-31592897-G-A. GRCh37 (hg19) VCF-style: chr18-29172860-G-A.
Other names: short protein forms G24D.
Identifiers: ClinVar variation 1757656 (VCV001757656.5), dbSNP rs1449262220, ClinGen allele CA402156428.

ClinVar aggregate classification (germline): Uncertain significance. Review status: criteria provided, multiple submitters, no conflicts (2 of 4 stars). 2 submissions from 2 submitters: Uncertain significance (2). Last evaluated 2023-11-09.

Conditions:
Cardiovascular phenotype. Identifiers: MedGen CN230736.
Amyloidosis, hereditary systemic 1 (AMYLD1). Also called: AMYLOID CARDIOMYOPATHY; Hereditary oculoleptomeningeal amyloid angiopathy; Familial Transthyretin Amyloidosis; Hereditary Transthyretin Amyloidosis; Familial amyloid polyneuropathy; Transthyretin Amyloidosis. Identifiers: Orphanet 85447, Orphanet 85451, MedGen C2751492, MONDO:0971004, OMIM 105210.

Allele frequency attached by ClinVar (database versions not stated): gnomAD exomes below 0.00001.
gnomAD v4.1: 1 of 1,613,800 alleles (0.000062%); highest among the groups gnomAD compares: Non-Finnish European, 0.000085%; no homozygotes.

Submissions (2):

Labcorp Genetics (formerly Invitae), Labcorp
Classification: Uncertain significance for Amyloidosis, hereditary systemic 1. Last evaluated: 2023-11-09. Review status: criteria provided, single submitter. Criteria: Invitae Variant Classification Sherloc (09022015). Collection method: clinical testing. Allele origin: germline.
Comment: This sequence change replaces glycine, which is neutral and non-polar, with aspartic acid, which is acidic and polar, at codon 24 of the TTR protein (p.Gly24Asp). This variant is present in population databases (no rsID available, gnomAD 0.0009%). This variant has not been reported in the literature in individuals affected with TTR-related conditions. ClinVar contains an entry for this variant (Variation ID: 1757656). An algorithm developed to predict the effect of missense changes on protein structure and function (PolyPhen-2) suggests that this variant is likely to be tolerated. In summary, the available evidence is currently insufficient to determine the role of this variant in disease. Therefore, it has been classified as a Variant of Uncertain Significance.

Ambry Genetics
Classification: Uncertain significance for Cardiovascular phenotype. Last evaluated: 2021-07-16. Review status: criteria provided, single submitter. Criteria: Ambry Variant Classification Scheme 2023. Collection method: clinical testing. Allele origin: germline.
Comment: The p.G24D variant (also known as c.71G>A), located in coding exon 2 of the TTR gene, results from a G to A substitution at nucleotide position 71. The glycine at codon 24 is replaced by aspartic acid, an amino acid with similar properties. This amino acid position is well conserved in available vertebrate species. In addition, the in silico prediction for this alteration is inconclusive. Since supporting evidence is limited at this time, the clinical significance of this alteration remains unclear.